The following is an entry in ClinVar:

NM_004104.5(FASN):c.928C>T (p.Arg310Ter)

Gene: FASN (fatty acid synthase; minus strand). Cytogenetic location: 17q25.3.
Variant type: single nucleotide variant.
Coding change: c.928C>T on transcript NM_004104.5 (MANE Select); coding-DNA position 928, C replaced by T.
Protein change: p.Arg310Ter; replaces arginine 310 with a stop codon.
Molecular consequence: nonsense.
Genome position (GRCh38, 1-based): chr17:82,092,556, G>A on the plus strand (C>T on the coding strand, the complement: FASN is on the minus strand). VCF-style: chr17-82092556-G-A. GRCh37 (hg19) VCF-style: chr17-80050432-G-A.
Other names: short protein forms R310*.
Identifiers: ClinVar variation 4759766 (VCV004759766.1).

ClinVar aggregate classification (germline): Uncertain significance (1 of 4 stars; one submission).

Conditions:
Epileptic encephalopathy. Identifiers: MedGen C0543888, HP:0200134.

gnomAD v4.1: 3 of 1,606,908 alleles (0.00019%); highest among the groups gnomAD compares: Admixed American, 0.0017%; no homozygotes.

Submission:

Labcorp Genetics (formerly Invitae), Labcorp
Classification: Uncertain significance for Epileptic encephalopathy. Last evaluated: 2025-05-07. Review status: criteria provided, single submitter. Criteria: Invitae Variant Classification Sherloc (09022015). Collection method: clinical testing. Allele origin: germline.
Comment: This sequence change creates a premature translational stop signal (p.Arg310*) in the FASN gene. It is expected to result in an absent or disrupted protein product. However, the current clinical and genetic evidence is not sufficient to establish whether loss-of-function variants in FASN cause disease. This variant is present in population databases (no rsID available, gnomAD 0.003%). This variant has not been reported in the literature in individuals affected with FASN-related conditions. In summary, the available evidence is currently insufficient to determine the role of this variant in disease. Therefore, it has been classified as a Variant of Uncertain Significance.